The following is an entry in ClinVar:

ClinVar aggregate classification (germline): Conflicting classifications of pathogenicity. Review status: criteria provided, conflicting classifications (1 of 4 stars). 6 submissions from 6 submitters: Uncertain significance (1); Likely benign (4). 1 of the submissions does not count toward it. Last evaluated 2026-01-28.

Conditions:
MYO15A-related disorder. Also called: MYO15A-related condition.

Allele frequency attached by ClinVar (database versions not stated): gnomAD exomes 0.00006 and 0.00020; ExAC 0.00014; 1000 Genomes Project 30x 0.00094; ESP Exome Variant Server 0.00025; gnomAD 0.00045 and 0.00047; TOPMed 0.00079; 1000 Genomes Project 0.00080.
gnomAD v4.1: 181 of 1,604,946 alleles (0.011%); highest among the groups gnomAD compares: Admixed American, 0.13%; 1 homozygote.

Submissions (6):

Labcorp Genetics (formerly Invitae), Labcorp
Classification: Likely benign. Last evaluated: 2026-01-28. Review status: criteria provided, single submitter. Criteria: Invitae Variant Classification Sherloc (09022015). Collection method: clinical testing. Allele origin: germline.

Blueprint Genetics
Classification: Likely benign. Last evaluated: 2024-03-13. Review status: criteria provided, single submitter. Criteria: ACMG Guidelines, 2015. Collection method: clinical testing. Allele origin: germline.

GeneDx
Classification: Likely benign. Last evaluated: 2021-01-26. Review status: criteria provided, single submitter. Criteria: GeneDx Variant Classification Process June 2021. Collection method: clinical testing. Allele origin: germline. Affected: yes.

ARUP Laboratories, Molecular Genetics and Genomics, ARUP Laboratories
Classification: Likely benign. Last evaluated: 2017-12-29. Review status: criteria provided, single submitter. Criteria: ARUP Molecular Germline Variant Investigation Process. Collection method: clinical testing. Allele origin: germline.
Comment: The MYO15A c.858C>G variant (rs200424851) does not alter the amino acid sequence of the MYO15A protein, and it has not been reported in association with hearing loss or deafness in the medical literature. The c.858C>G variant is listed in the Genome Aggregation Database (gnomAD) browser with an overall allele frequency of 0.020% (identified in 54 out of 269,152 chromosomes), and is classified as a variant of uncertain significance in ClinVar (Variant ID: 285403). The cytosine at nucleotide 858 is weakly conserved, and computational analyses predict that this variant has minimal impact on splicing of the MYO15A mRNA (Alamut software v2.10.0). Therefore, based on the available evidence, the c.858C>G variant is classified as likely benign.

Eurofins Ntd Llc (ga)
Classification: Uncertain significance. Last evaluated: 2016-01-22. Review status: criteria provided, single submitter. Criteria: EGL Classification Definitions 2015. Collection method: clinical testing. Allele origin: germline. Observed: 1 variant allele, 1 heterozygote.

PreventionGenetics, part of Exact Sciences
Classification: Likely benign for MYO15A-related condition. Last evaluated: 2019-05-07. Review status: no assertion criteria provided. Collection method: clinical testing. Allele origin: germline. Not counted in ClinVar's aggregate classification.
Comment: This variant is classified as likely benign based on ACMG/AMP sequence variant interpretation guidelines (Richards et al. 2015 PMID: 25741868, with internal and published modifications).

NM_016239.4(MYO15A):c.858C>G (p.Pro286=)

Gene: MYO15A (myosin XVA; plus strand). Cytogenetic location: 17p11.2.
Variant type: single nucleotide variant.
Coding change: c.858C>G on transcript NM_016239.4 (MANE Select); coding-DNA position 858, C replaced by G.
Protein change: p.Pro286=; no amino-acid change (proline 286 retained).
Molecular consequence: synonymous variant.
Genome position (GRCh38, 1-based): chr17:18,119,658, C>G. VCF-style: chr17-18119658-C-G. GRCh37 (hg19) VCF-style: chr17-18022972-C-G.
Identifiers: ClinVar variation 285403 (VCV000285403.25), dbSNP rs200424851, ClinGen allele CA8422953.